The following is an entry in ClinVar:

ClinVar aggregate classification (germline): Benign/Likely benign. Review status: criteria provided, multiple submitters, no conflicts (2 of 4 stars). 10 submissions from 10 submitters: Benign (1); Likely benign (6). 3 of the submissions do not count toward it. Last evaluated 2026-07-01.

Conditions:
Curry-Hall syndrome (WAD). Also called: WEYERS ACRODENTAL DYSOSTOSIS. Identifiers: Orphanet 952, MedGen C0457013, MONDO:0008673, OMIM 193530.
Ellis-van Creveld syndrome (EVC). Also called: MESOECTODERMAL DYSPLASIA; Chondroectodermal dysplasia. Identifiers: Orphanet 289, MedGen C0013903, MONDO:0009162, OMIM 225500.

Allele frequency attached by ClinVar (database versions not stated): 1000 Genomes Project 0.00100; 1000 Genomes Project 30x 0.00109; TOPMed 0.00280; gnomAD 0.00286; ExAC 0.00360; gnomAD exomes 0.00361.
gnomAD v4.1: 6,934 of 1,496,282 alleles (0.46%); highest among the groups gnomAD compares: Non-Finnish European, 0.53%; 24 homozygotes.

Submissions (10):

CeGaT Center for Human Genetics Tuebingen
Classification: Likely benign. Last evaluated: 2026-07-01. Review status: criteria provided, single submitter. Criteria: CeGaT Center For Human Genetics Tuebingen Variant Classification Criteria Version 2. Collection method: clinical testing. Allele origin: germline. Affected: yes. Observed: 2 variant alleles.
Comment: EVC2: BS2

Labcorp Genetics (formerly Invitae), Labcorp
Classification: Benign for Curry-Hall syndrome; Ellis-van Creveld syndrome. Last evaluated: 2026-02-03. Review status: criteria provided, single submitter. Criteria: Invitae Variant Classification Sherloc (09022015). Collection method: clinical testing. Allele origin: germline.

Blueprint Genetics
Classification: Likely benign. Last evaluated: 2024-11-15. Review status: criteria provided, single submitter. Criteria: ACMG Guidelines, 2015. Collection method: clinical testing. Allele origin: germline.

ARUP Laboratories, Molecular Genetics and Genomics, ARUP Laboratories
Classification: Likely benign. Last evaluated: 2023-10-03. Review status: criteria provided, single submitter. Criteria: ARUP Molecular Germline Variant Investigation Process 2024. Collection method: clinical testing. Allele origin: germline.

GeneDx
Classification: Likely benign. Last evaluated: 2020-10-30. Review status: criteria provided, single submitter. Criteria: GeneDx Variant Classification Process June 2021. Collection method: clinical testing. Allele origin: germline. Affected: yes.

Eurofins Ntd Llc (ga)
Classification: Likely benign. Last evaluated: 2016-07-01. Review status: criteria provided, single submitter. Criteria: EGL Classification Definitions 2015. Collection method: clinical testing. Allele origin: germline. Observed: 2 variant alleles, 2 heterozygotes.

PreventionGenetics, part of Exact Sciences
Classification: Likely benign. Review status: criteria provided, single submitter. Criteria: ACMG Guidelines, 2015. Collection method: clinical testing. Allele origin: germline.

Clinical Genetics DNA and cytogenetics Diagnostics Lab, Erasmus MC, Erasmus Medical Center
Classification: Likely benign. Review status: no assertion criteria provided. Collection method: clinical testing. Allele origin: germline. Affected: yes. Study: VKGL Data-share Consensus. Not counted in ClinVar's aggregate classification.

Genome Diagnostics Laboratory, University Medical Center Utrecht
Classification: Likely benign. Review status: no assertion criteria provided. Collection method: clinical testing. Allele origin: germline. Affected: yes. Study: VKGL Data-share Consensus. Not counted in ClinVar's aggregate classification.

Laboratory of Diagnostic Genome Analysis, Leiden University Medical Center (LUMC)
Classification: Likely benign. Review status: no assertion criteria provided. Collection method: clinical testing. Allele origin: germline. Affected: yes. Study: VKGL Data-share Consensus. Not counted in ClinVar's aggregate classification.

NM_147127.5(EVC2):c.122C>A (p.Pro41His)

Gene: EVC2 (EvC ciliary complex subunit 2; minus strand). Cytogenetic location: 4p16.2.
Variant type: single nucleotide variant.
Coding change: c.122C>A on transcript NM_147127.5 (MANE Select); coding-DNA position 122, C replaced by A.
Protein change: p.Pro41His; replaces proline 41 with histidine.
Molecular consequence: missense variant. On other transcripts: intron variant (1).
Genome position (GRCh38, 1-based): chr4:5,708,392, G>T on the plus strand (C>A on the coding strand, the complement: EVC2 is on the minus strand). VCF-style: chr4-5708392-G-T. GRCh37 (hg19) VCF-style: chr4-5710119-G-T.
Other names: c.-13+437C>A (NM_001166136.2); short protein forms P41H.
Identifiers: ClinVar variation 193503 (VCV000193503.42), dbSNP rs544397395, ClinGen allele CA239036.
Genomic context (GRCh38, chr4:5,708,392, plus strand): 5'-CTCAGGCCGGGCCCAGACCTAGGAGCCACCTGGGGATCCCGGGGTGGCTGCGCGCCGAGG[G>T]GGCGCCAGCGGGGACGTGAGCTGGCGCCGAGACAGCCTCGGCCCCCCAGCGCCAGGGCCA-3'
Protein context (NP_667338.3, residues 31-51): LGASSRPRWR[Pro41His]LGAQPPRDPQ